The following is an entry in ClinVar:

NM_000179.3(MSH6):c.3728C>T (p.Thr1243Ile)

Gene: MSH6 (mutS homolog 6; plus strand). Cytogenetic location: 2p16.3.
Variant type: single nucleotide variant.
Coding change: c.3728C>T on transcript NM_000179.3 (MANE Select); coding-DNA position 3728, C replaced by T.
Protein change: p.Thr1243Ile; replaces threonine 1243 with isoleucine.
Molecular consequence: missense variant.
Genome position (GRCh38, 1-based): chr2:47,806,285, C>T. VCF-style: chr2-47806285-C-T. GRCh37 (hg19) VCF-style: chr2-48033424-C-T.
Other names: c.3338C>T, p.Thr1113Ile (NM_001281492.2); c.2822C>T, p.Thr941Ile (NM_001281493.2, NM_001281494.2); short protein forms T1243I, T1113I, T941I.
Identifiers: ClinVar variation 490009 (VCV000490009.20), dbSNP rs878853737, ClinGen allele CA346761031.

ClinVar aggregate classification (germline): Uncertain significance. Review status: criteria provided, multiple submitters, no conflicts (2 of 4 stars). 3 submissions from 3 submitters: Uncertain significance (3). Last evaluated 2025-03-14.

Conditions:
Hereditary cancer-predisposing syndrome. Also called: Hereditary Cancer Syndrome; Neoplastic Syndromes, Hereditary; Tumor predisposition; Hereditary neoplastic syndrome. Identifiers: Orphanet 140162, MedGen C0027672, MeSH D009386, MONDO:0015356.
Hereditary nonpolyposis colorectal neoplasms. Identifiers: MedGen C0009405, MeSH D003123.

Submissions (3):

Ambry Genetics
Classification: Uncertain significance for Hereditary cancer-predisposing syndrome. Last evaluated: 2025-03-14. Review status: criteria provided, single submitter. Criteria: Ambry Variant Classification Scheme 2023. Collection method: clinical testing. Allele origin: germline.
Comment: The p.T1243I variant (also known as c.3728C>T), located in coding exon 8 of the MSH6 gene, results from a C to T substitution at nucleotide position 3728. The threonine at codon 1243 is replaced by isoleucine, an amino acid with similar properties. This amino acid position is highly conserved in available vertebrate species. In addition, this alteration is predicted to be deleterious by in silico analysis. Based on the available evidence, the clinical significance of this variant remains unclear.

Color Diagnostics, LLC DBA Color Health
Classification: Uncertain significance for Hereditary cancer-predisposing syndrome. Last evaluated: 2024-03-06. Review status: criteria provided, single submitter. Criteria: ACMG Guidelines, 2015. Collection method: clinical testing. Allele origin: germline.
Comment: This missense variant replaces threonine with isoleucine at codon 1243 of the MSH6 protein. Computational prediction suggests that this variant may have deleterious impact on protein structure and function (internally defined REVEL score threshold >= 0.7, PMID: 27666373). Splice site prediction tools suggest that this variant may not impact RNA splicing. To our knowledge, functional studies have not been performed for this variant. This variant has not been reported in individuals affected with hereditary cancer in the literature. This variant has not been identified in the general population by the Genome Aggregation Database (gnomAD). The available evidence is insufficient to determine the role of this variant in disease conclusively. Therefore, this variant is classified as a Variant of Uncertain Significance.

Labcorp Genetics (formerly Invitae), Labcorp
Classification: Uncertain significance for Hereditary nonpolyposis colorectal neoplasms. Last evaluated: 2020-03-10. Review status: criteria provided, single submitter. Criteria: Invitae Variant Classification Sherloc (09022015). Collection method: clinical testing. Allele origin: germline.
Comment: This sequence change replaces threonine with isoleucine at codon 1243 of the MSH6 protein (p.Thr1243Ile). The threonine residue is highly conserved and there is a moderate physicochemical difference between threonine and isoleucine. This variant is not present in population databases (ExAC no frequency). This variant has not been reported in the literature in individuals with MSH6-related conditions. ClinVar contains an entry for this variant (Variation ID: 490009). Algorithms developed to predict the effect of missense changes on protein structure and function (SIFT, PolyPhen-2, Align-GVGD) all suggest that this variant is likely to be disruptive, but these predictions have not been confirmed by published functional studies and their clinical significance is uncertain. In summary, the available evidence is currently insufficient to determine the role of this variant in disease. Therefore, it has been classified as a Variant of Uncertain Significance.